The following is an entry in ClinVar:

ClinVar aggregate classification (germline): Uncertain significance (1 of 4 stars; one submission).

Conditions:
Hypertrophic cardiomyopathy. Also called: HYPERTROPHIC MYOCARDIOPATHY. Identifiers: Orphanet 217569, MedGen C0007194, MeSH D002312, MONDO:0005045, HP:0001639.

Allele frequency attached by ClinVar (database versions not stated): gnomAD exomes 0.00001; TOPMed 0.00001.

Submission:

Labcorp Genetics (formerly Invitae), Labcorp
Classification: Uncertain significance for Hypertrophic cardiomyopathy. Last evaluated: 2025-06-24. Review status: criteria provided, single submitter. Criteria: Invitae Variant Classification Sherloc (09022015). Collection method: clinical testing. Allele origin: germline.
Comment: This sequence change replaces alanine, which is neutral and non-polar, with glycine, which is neutral and non-polar, at codon 141 of the MYBPC3 protein (p.Ala141Gly). This variant is present in population databases (no rsID available, gnomAD 0.01%). This variant has not been reported in the literature in individuals affected with MYBPC3-related conditions. ClinVar contains an entry for this variant (Variation ID: 1500228). An algorithm developed to predict the effect of missense changes on protein structure and function (PolyPhen-2) suggests that this variant is likely to be tolerated. In summary, the available evidence is currently insufficient to determine the role of this variant in disease. Therefore, it has been classified as a Variant of Uncertain Significance.

NM_000256.3(MYBPC3):c.422C>G (p.Ala141Gly)

Gene: MYBPC3 (myosin binding protein C3; minus strand). Cytogenetic location: 11p11.2.
Variant type: single nucleotide variant.
Coding change: c.422C>G on transcript NM_000256.3 (MANE Select); coding-DNA position 422, C replaced by G.
Protein change: p.Ala141Gly; replaces alanine 141 with glycine.
Molecular consequence: missense variant.
Genome position (GRCh38, 1-based): chr11:47,350,097, G>C on the plus strand (C>G on the coding strand, the complement: MYBPC3 is on the minus strand). VCF-style: chr11-47350097-G-C. GRCh37 (hg19) VCF-style: chr11-47371648-G-C.
Other names: short protein forms A141G.
Identifiers: ClinVar variation 1500228 (VCV001500228.7), dbSNP rs1346020654, ClinGen allele CA380339030.